The following is an entry in ClinVar:

NM_023067.4(FOXL2):c.672_701dup (p.Ala225_Ala234dup)

Gene: FOXL2 (forkhead box L2; minus strand). Cytogenetic location: 3q22.3.
Variant type: Duplication.
Coding change: c.672_701dup on transcript NM_023067.4 (MANE Select); coding-DNA positions 672 to 701, 30 bases duplicated (AGCGGCTGCAGCAGCTGCGGCTGCAGCCGC).
Protein change: p.Ala225_Ala234dup.
Molecular consequence: inframe insertion.
Genome position (GRCh38, 1-based): chr3:138,946,022-138,946,051, GCGGCTGCAGCCGCAGCTGCTGCAGCCGCT duplicated on the plus strand (AGCGGCTGCAGCAGCTGCGGCTGCAGCCGC on the coding strand, the reverse complement: FOXL2 is on the minus strand); duplicating any 30 consecutive bases within chr3:138,946,022-138,946,059 gives the same sequence; the c. name uses the placement nearest the transcript's 3' end. VCF-style (leftmost placement, unchanged base first): chr3-138946021-C-CGCGGCTGCAGCCGCAGCTGCTGCAGCCGCT. GRCh37 (hg19) VCF-style: chr3-138664863-C-CGCGGCTGCAGCCGCAGCTGCTGCAGCCGCT.
Other names: c.672_701dupAGCGGCTGCAGCAGCTGCGGCTGCAGCCGC (NM_023067.3).
Identifiers: ClinVar variation 4854 (VCV000004854.15), dbSNP rs387906321, ClinGen allele CA117106.

ClinVar aggregate classification (germline): Pathogenic. Review status: criteria provided, multiple submitters, no conflicts (2 of 4 stars). 11 submissions from 10 submitters: Pathogenic (9). 2 of the submissions do not count toward it. Last evaluated 2026-06-17.

Conditions:
FOXL2-related disorders.
FOXL2-related disorder. Also called: FOXL2-related condition.
Inborn genetic diseases. Identifiers: MedGen C0950123, MeSH D030342.
BLEPHAROPHIMOSIS, PTOSIS, AND EPICANTHUS INVERSUS, TYPE II (BPES II). Also called: Blepharophimosis syndrome type 2; BPES without premature ovarian failure; BPES without ovarian failure; Blepharophimosis, ptosis, and epicanthus inversus syndrome type 2. Identifiers: MedGen C2931136.
Blepharophimosis, ptosis, and epicanthus inversus, type II with Duane retraction syndrome. Also called: BPES with Duane retraction syndrome. Identifiers: MedGen C1854128.
Blepharophimosis, ptosis, and epicanthus inversus syndrome. Identifiers: Orphanet 126, MedGen C0220663, MONDO:0007201, OMIM 110100.

Submissions (11):

PreventionGenetics, part of Exact Sciences
Classification: Pathogenic for FOXL2-related condition. Last evaluated: 2026-06-17. Review status: criteria provided, single submitter. Criteria: ACMG Guidelines, 2015. Collection method: clinical testing. Allele origin: germline.
Comment: The FOXL2 c.672_701dup30 variant is predicted to result in an in-frame duplication (p.Ala225_Ala234dup). Poly-alanine expansions in the FOXL2 gene have been reported to be causative for blepharophimosis-ptosis-epicanthus inversus syndrome (BPES) type II (De Baere et al. 2003. PubMed ID: 12529855; Moumné et al. 2008. PubMed ID: 18158309). This location has been reported to be a mutational hotspot in the FOXL2 gene, and this particular variant has been reported in several individuals with BPES (Vincent et al. 2005. PubMed ID: 16283882; Wang et al. 2007. PubMed ID: 17277738). We interpret this poly-alanine expansion as pathogenic.

Labcorp Genetics (formerly Invitae), Labcorp
Classification: Pathogenic. Last evaluated: 2025-12-15. Review status: criteria provided, single submitter. Criteria: Invitae Variant Classification Sherloc (09022015). Collection method: clinical testing. Allele origin: germline.
Comment: This variant, c.672_701dup, results in the insertion of 10 amino acid(s) of the FOXL2 protein (p.Ala225_Ala234dup), but otherwise preserves the integrity of the reading frame. This variant is not present in population databases (gnomAD no frequency). This variant has been observed in individuals with blepharophimosis (PMID: 17277738, 18484667). It has also been observed to segregate with disease in related individuals. This variant is also known as p.224_234dup10. ClinVar contains an entry for this variant (Variation ID: 4854). For these reasons, this variant has been classified as Pathogenic.

Ambry Genetics
Classification: Pathogenic for Inborn genetic diseases. Last evaluated: 2025-04-02. Review status: criteria provided, single submitter. Criteria: Ambry Variant Classification Scheme 2023. Collection method: clinical testing. Allele origin: germline.
Comment: The c.672_701dupAGCGGCTGCAGCAGCTGCGGCTGCAGCCGC (p.A225_A234dup) alteration is located in exon 1 (coding exon 1) of the FOXL2 gene. The alteration consists of an in-frame duplication of 30 nucleotides from position 672 to 701, resulting in the duplication of 10 amino acids between codons 225 and 234. This variant was not reported in population-based cohorts in the Genome Aggregation Database (gnomAD). This variant was determined to be de novo in at least one individual with features consistent with FOXL2-related blepharophimosis, ptosis, and epicanthus inversus syndrome (BPES) (Vincent, 2005). It was also identified in one or more other individuals with features consistent with BPES and segregated with disease in at least one family (Wang, 2007; Nallathambi, 2007; Beysen, 2008). This in-frame variant is in a repetitive region of the gene where duplications have been reported in association with disease (Neuhouser, 2025). Based on the available evidence, this alteration is classified as pathogenic.

Institute of Human Genetics, University of Leipzig Medical Center
Classification: Pathogenic for Blepharophimosis, ptosis, and epicanthus inversus syndrome. Last evaluated: 2023-07-17. Review status: criteria provided, single submitter. Criteria: ACMG Guidelines, 2015. Collection method: clinical testing. Allele origin: unknown. Inheritance: Autosomal dominant inheritance. Affected: yes.
Comment: Criteria applied: PS4,PP1_STR,PM4,PM2_SUP,PP4

Blueprint Genetics
Classification: Pathogenic for FOXL2-related disorders. Last evaluated: 2023-03-23. Review status: criteria provided, single submitter. Criteria: ACMG Guidelines, 2015. Collection method: clinical testing. Allele origin: germline. Affected: yes. Observed: 5 variant alleles.

GeneDx
Classification: Pathogenic. Last evaluated: 2022-08-23. Review status: criteria provided, single submitter. Criteria: GeneDx Variant Classification Process June 2021. Collection method: clinical testing. Allele origin: germline. Affected: yes.
Comment: Published functional studies demonstrate a damaging effect (increased expression in the cytoplasm and induced cytoplasmic and nuclear aggregation) (PMID: 15591279); In-frame insertion of 10 amino acids in the polyalanine tract; Not observed at significant frequency in large population cohorts (gnomAD); This variant is associated with the following publications: (PMID: 17277738, 16283882, 12630957, 11175783, 34711234, 21325395, 22336067, 28604951, 25192944, 23441113, 24265544, 33806295, 32454486, 18642388, 35574016, 31048069, 18726931, 12400065, 27283035, 15591279)

Wessex Regional Genetics Laboratory, Salisbury District Hospital
Classification: Pathogenic for Blepharophimosis, ptosis, and epicanthus inversus syndrome. Last evaluated: 2019-01-01. Review status: criteria provided, single submitter. Criteria: ACMG Guidelines, 2015. Collection method: clinical testing. Allele origin: unknown, inherited, de novo, paternal. Inheritance: Autosomal dominant inheritance. Affected: yes. Observed: 26 variant alleles.

Genomic Diagnostic Laboratory, Division of Genomic Diagnostics, Children's Hospital of Philadelphia
Classification: Pathogenic for Blepharophimosis, ptosis, and epicanthus inversus syndrome. Last evaluated: 2016-11-03. Review status: criteria provided, single submitter. Criteria: DGD Variant Analysis Guidelines. Collection method: clinical testing. Allele origin: germline. Affected: yes. Observed: 28 variant alleles.
Comment: Clinical Testing

Juno Genomics, Hangzhou Juno Genomics, Inc
Classification: Pathogenic for Blepharophimosis, ptosis, and epicanthus inversus syndrome. Review status: criteria provided, single submitter. Criteria: ACMG Guidelines, 2015. Collection method: clinical testing. Allele origin: germline. Affected: yes.
Comment: Absent from controls (or at extremely low frequency if recessive) in Genome Aggregation Database, Exome Sequencing Project, 1000 Genomes Project, or Exome Aggregation Consortium.;Protein length changes due to in-frame deletions/insertions in a non-repeat region or stop-loss variants.;The prevalence of the variant in affected individuals is significantly increased compared to the prevalence in controls.;Co-segregation with disease in multiple affected family members in a gene definitively known to cause the disease.;Patient's phenotype or family history is highly specific for a disease with a single genetic etiology.

OMIM
Classification: Pathogenic for BLEPHAROPHIMOSIS, PTOSIS, AND EPICANTHUS INVERSUS, TYPE II. Last evaluated: 2005-12-01. Review status: no assertion criteria provided. Collection method: literature only. Allele origin: germline. Not counted in ClinVar's aggregate classification.

OMIM
Classification: Pathogenic for BLEPHAROPHIMOSIS, PTOSIS, AND EPICANTHUS INVERSUS, TYPE II WITH DUANE RETRACTION SYNDROME. Last evaluated: 2005-12-01. Review status: no assertion criteria provided. Collection method: literature only. Allele origin: germline. Not counted in ClinVar's aggregate classification.

Literature cited by the submitters: PubMed 17277738 (cited by Labcorp Genetics (formerly Invitae), Labcorp and Ambry Genetics); PubMed 18484667 (cited by Labcorp Genetics (formerly Invitae), Labcorp); PubMed 16283882 (cited by Ambry Genetics and OMIM); PubMed 17968144 (cited by Ambry Genetics); PubMed 18642388 (cited by Ambry Genetics); PubMed 37276318 (cited by Ambry Genetics); PubMed 11175783 (cited by OMIM); PubMed 12400065 (cited by OMIM); PubMed 12630957 (cited by OMIM).